The following is an entry in ClinVar:

ClinVar aggregate classification (germline): Pathogenic. Review status: criteria provided, multiple submitters, no conflicts (2 of 4 stars). 2 submissions from 2 submitters: Pathogenic (2). Last evaluated 2025-09-11.

Conditions:
Inborn genetic diseases. Identifiers: MedGen C0950123, MeSH D030342.

Submissions (2):

Labcorp Genetics (formerly Invitae), Labcorp
Classification: Pathogenic. Last evaluated: 2025-09-11. Review status: criteria provided, single submitter. Criteria: Invitae Variant Classification Sherloc (09022015). Collection method: clinical testing. Allele origin: germline.
Comment: This sequence change creates a premature translational stop signal (p.Arg503Aspfs*24) in the FOXP1 gene. It is expected to result in an absent or disrupted protein product. Loss-of-function variants in FOXP1 are known to be pathogenic (PMID: 28735298). This variant is not present in population databases (gnomAD no frequency). This variant has not been reported in the literature in individuals affected with FOXP1-related conditions. ClinVar contains an entry for this variant (Variation ID: 520738). For these reasons, this variant has been classified as Pathogenic.

Ambry Genetics
Classification: Pathogenic for Inborn genetic diseases. Last evaluated: 2015-07-27. Review status: criteria provided, single submitter. Criteria: Ambry exome assertion method (8-5-2015). Collection method: clinical testing. Allele origin: germline. Affected: yes. Observed: 1 variant allele.

Literature cited by the submitters: PubMed 28735298 (cited by Labcorp Genetics (formerly Invitae), Labcorp).

NM_001349338.3(FOXP1):c.1507del (p.Arg503fs)

Genes: FOXP1 (forkhead box P1; minus strand), LOC126806714 (BRD4-independent group 4 enhancer GRCh37_chr3:71025197-71026396; plus strand). Cytogenetic location: 3p13.
Variant type: Deletion.
Coding change: c.1507del on transcript NM_001349338.3 (MANE Select); coding-DNA position 1507, one base deleted (C; older notation c.1507delC).
Protein change: p.Arg503fs; shifts the reading frame from arginine 503.
Molecular consequence: frameshift variant. On other transcripts: non-coding transcript variant (2).
Genome position (GRCh38, 1-based): chr3:70,976,964, G deleted on the plus strand (C on the coding strand, the reverse complement: FOXP1 is on the minus strand); the first of 2 consecutive G bases (chr3:70,976,964-70,976,965); deleting either gives the same sequence. VCF-style (leftmost placement, unchanged base first): chr3-70976963-CG-C. GRCh37 (hg19) VCF-style: chr3-71026114-CG-C.
Other names: c.1507del, p.Arg503fs (NM_001244814.3, NM_001244816.2, NM_001349340.3 and 2 more transcripts); c.1207del, p.Arg403fs (NM_001244815.2, NM_001349342.3, NM_001244813.3); c.1204del, p.Arg402fs (NM_001349337.2, NM_001349343.3, NM_001349344.3 and 1 more transcripts); c.1504del, p.Arg502fs (NM_001349341.3, NM_001244808.3); c.1507delC (NM_032682.5); c.1279del, p.Arg427fs (NM_001244812.3); short protein forms R403fs, R402fs, R427fs, R502fs, R503fs.
Identifiers: ClinVar variation 520738 (VCV000520738.5), dbSNP rs1553667322, ClinGen allele CA658796345.